The following is an entry in ClinVar:

NM_004977.3(KCNC3):c.1979-207C>T

Gene: KCNC3 (potassium voltage-gated channel subfamily C member 3; minus strand). Cytogenetic location: 19q13.33.
Variant type: single nucleotide variant.
Coding change: c.1979-207C>T on transcript NM_004977.3 (MANE Select); 207 bases into the intron before coding-DNA position 1979, C replaced by T.
Molecular consequence: intron variant.
Genome position (GRCh38, 1-based): chr19:50,320,991, G>A on the plus strand (C>T on the coding strand, the complement: KCNC3 is on the minus strand). VCF-style: chr19-50320991-G-A. GRCh37 (hg19) VCF-style: chr19-50824248-G-A.
Other names: c.1751-207C>T (NM_001372305.1).
Identifiers: ClinVar variation 1704145 (VCV001704145.2), dbSNP rs145595397, ClinGen allele CA309571079.

ClinVar aggregate classification (germline): Likely benign (1 of 4 stars; one submission).

Allele frequency attached by ClinVar (database versions not stated): gnomAD 0.00582; TOPMed 0.00674; 1000 Genomes Project 30x 0.00890; 1000 Genomes Project 0.00958.

Submission:

GeneDx
Classification: Likely benign. Last evaluated: 2021-11-30. Review status: criteria provided, single submitter. Criteria: GeneDx Variant Classification Process June 2021. Collection method: clinical testing. Allele origin: germline. Affected: yes.
Comment: See Variant Classification Assertion Criteria.